The following is an entry in ClinVar:

ClinVar aggregate classification (germline): Conflicting classifications of pathogenicity. Review status: criteria provided, conflicting classifications (1 of 4 stars). 6 submissions from 6 submitters: Uncertain significance (1); Benign (1); Likely benign (3). 1 of the submissions does not count toward it. Last evaluated 2025-09-19.

Conditions:
CDH1-related disorder. Also called: CDH1-related condition.
Hereditary cancer-predisposing syndrome. Also called: Hereditary neoplastic syndrome; Tumor predisposition; Neoplastic Syndromes, Hereditary; Hereditary Cancer Syndrome. Identifiers: Orphanet 140162, MedGen C0027672, MeSH D009386, MONDO:0015356.
Hereditary diffuse gastric adenocarcinoma (HDGC). Also called: DIFFUSE GASTRIC AND LOBULAR BREAST CANCER SYNDROME. Identifiers: Orphanet 26106, MedGen C1708349, MONDO:0007648, OMIM 137215.

Allele frequency attached by ClinVar (database versions not stated): ExAC 0.00001; gnomAD exomes 0.00002; TOPMed 0.00003.

Submissions (6):

Quest Diagnostics Nichols Institute San Juan Capistrano
Classification: Uncertain significance. Last evaluated: 2025-09-19. Review status: criteria provided, single submitter. Criteria: Quest Diagnostics criteria. Collection method: clinical testing. Allele origin: unknown.
Comment: The CDH1 c.*7C>T variant has not been reported in individuals with CDH1-related conditions in the published literature. The frequency of this variant in the general population (Genome Aggregation Database) is uninformative in the assessment of its pathogenicity. Based on the available information, we are unable to determine the clinical significance of this variant.

Myriad Genetics, Inc.
Classification: Benign for Hereditary diffuse gastric adenocarcinoma. Last evaluated: 2024-09-25. Review status: criteria provided, single submitter. Criteria: Myriad Autosomal Dominant, Autosomal Recessive and X-Linked Classification Criteria (2023). Collection method: clinical testing. Allele origin: unknown.
Comment: This variant is considered benign. This variant occurs in the non-coding 3' untranslated region of the gene, and is not expected to impact protein function.

GeneDx
Classification: Likely benign. Last evaluated: 2023-08-25. Review status: criteria provided, single submitter. Criteria: GeneDx Variant Classification Process June 2021. Collection method: clinical testing. Allele origin: germline. Affected: yes.
Comment: See Variant Classification Assertion Criteria.

Department of Pathology and Laboratory Medicine, Sinai Health System
Classification: Likely benign for Hereditary diffuse gastric adenocarcinoma. Last evaluated: 2023-03-27. Review status: criteria provided, single submitter. Criteria: ACMG Guidelines, 2015. Collection method: clinical testing. Allele origin: germline. Affected: yes.

Color Diagnostics, LLC DBA Color Health
Classification: Likely benign for Hereditary cancer-predisposing syndrome. Last evaluated: 2017-03-21. Review status: criteria provided, single submitter. Criteria: ACMG Guidelines, 2015. Collection method: clinical testing. Allele origin: germline.

PreventionGenetics, part of Exact Sciences
Classification: Likely benign for CDH1-related condition. Last evaluated: 2024-03-07. Review status: no assertion criteria provided. Collection method: clinical testing. Allele origin: germline. Not counted in ClinVar's aggregate classification.
Comment: This variant is classified as likely benign based on ACMG/AMP sequence variant interpretation guidelines (Richards et al. 2015 PMID: 25741868, with internal and published modifications).

NM_004360.5(CDH1):c.*7C>T

Gene: CDH1 (cadherin 1; plus strand). Cytogenetic location: 16q22.1.
Variant type: single nucleotide variant.
Coding change: c.*7C>T on transcript NM_004360.5 (MANE Select); 7 bases downstream of the stop codon, C replaced by T.
Molecular consequence: 3 prime UTR variant.
Genome position (GRCh38, 1-based): chr16:68,833,506, C>T. VCF-style: chr16-68833506-C-T. GRCh37 (hg19) VCF-style: chr16-68867409-C-T.
Other names: c.*7C>T (LRG_301t1, NM_001317184.2, NM_001317185.2 and 1 more transcripts).
Identifiers: ClinVar variation 380372 (VCV000380372.11), dbSNP rs9282652, ClinGen allele CA8130320.